The following is an entry in ClinVar:

ClinVar aggregate classification (germline): Likely benign. Review status: criteria provided, multiple submitters, no conflicts (2 of 4 stars). 3 submissions from 3 submitters: Likely benign (3). Last evaluated 2023-12-15.

Conditions:
Familial adenomatous polyposis 2. Also called: Adenomas, multiple colorectal; MUTYH Polyposis; COLORECTAL ADENOMATOUS POLYPOSIS, AUTOSOMAL RECESSIVE; ADENOMAS, MULTIPLE COLORECTAL, AUTOSOMAL RECESSIVE; MUTYH-associated polyposis; MUTYH-related attenuated familial adenomatous polyposis. Identifiers: Orphanet 220460, Orphanet 247798, MedGen C3272841, MONDO:0012041, OMIM 608456.
Hereditary cancer-predisposing syndrome. Also called: Neoplastic Syndromes, Hereditary; Tumor predisposition; Hereditary Cancer Syndrome; Hereditary neoplastic syndrome. Identifiers: Orphanet 140162, MedGen C0027672, MeSH D009386, MONDO:0015356.

Allele frequency attached by ClinVar (database versions not stated): gnomAD exomes below 0.00001; TOPMed below 0.00001; ExAC 0.00001.
gnomAD v4.1: 1 of 1,613,688 alleles (0.000062%); highest among the groups gnomAD compares: Non-Finnish European, 0.000085%; no homozygotes.

Submissions (3):

Labcorp Genetics (formerly Invitae), Labcorp
Classification: Likely benign for Familial adenomatous polyposis 2. Last evaluated: 2023-12-15. Review status: criteria provided, single submitter. Criteria: Invitae Variant Classification Sherloc (09022015). Collection method: clinical testing. Allele origin: germline.

All of Us Research Program, National Institutes of Health
Classification: Likely benign for Familial adenomatous polyposis 2. Last evaluated: 2023-10-06. Review status: criteria provided, single submitter. Criteria: ACMG Guidelines, 2015. Collection method: clinical testing. Allele origin: germline. Inheritance: Autosomal recessive inheritance. Observed: 1 variant allele, 1 heterozygote.
Comment: This study involves interpretation of variants in research participants for the purpose of population health screening. Participant phenotype was not available at the time of variant classification. Additional details can be found in publication PMID: 35346344, PMCID: PMC8962531

Color Diagnostics, LLC DBA Color Health
Classification: Likely benign for Hereditary cancer-predisposing syndrome. Last evaluated: 2016-03-21. Review status: criteria provided, single submitter. Criteria: ACMG Guidelines, 2015. Collection method: clinical testing. Allele origin: germline.

NM_001048174.2(MUTYH):c.1103-13C>T

Gene: MUTYH (mutY DNA glycosylase; minus strand). Cytogenetic location: 1p34.1.
Variant type: single nucleotide variant.
Coding change: c.1103-13C>T on transcript NM_001048174.2 (MANE Select); 13 bases into the intron before coding-DNA position 1103, C replaced by T.
Molecular consequence: intron variant.
Genome position (GRCh38, 1-based): chr1:45,331,569, G>A on the plus strand (C>T on the coding strand, the complement: MUTYH is on the minus strand). VCF-style: chr1-45331569-G-A. GRCh37 (hg19) VCF-style: chr1-45797241-G-A.
Other names: c.758-13C>T (NM_001350651.2, NM_001350650.2); c.827-13C>T (NM_001293192.2, NM_001293196.2); c.1103-13C>T (NM_001048171.2, NM_001048173.2, NM_001293195.2); c.1148-13C>T (NM_001293190.2); c.1178-13C>T (NM_012222.3); c.1187-13C>T (NM_001128425.2); c.1106-13C>T (NM_001048172.2); c.1136-13C>T (NM_001293191.2).
Identifiers: ClinVar variation 927534 (VCV000927534.8), dbSNP rs781706856, ClinGen allele CA055368.